The following is an entry in ClinVar:

ClinVar aggregate classification (germline): Uncertain significance (1 of 4 stars; one submission).

Allele frequency attached by ClinVar (database versions not stated): TOPMed below 0.00001; gnomAD 0.00001.
gnomAD v4.1: 1 of 1,611,090 alleles (0.000062%); highest among the groups gnomAD compares: Non-Finnish European, 0.000085%; no homozygotes.

Submission:

Labcorp Genetics (formerly Invitae), Labcorp
Classification: Uncertain significance. Last evaluated: 2024-01-10. Review status: criteria provided, single submitter. Criteria: Invitae Variant Classification Sherloc (09022015). Collection method: clinical testing. Allele origin: germline.
Comment: This sequence change falls in intron 18 of the TFRC gene. It does not directly change the encoded amino acid sequence of the TFRC protein. This variant is not present in population databases (gnomAD no frequency). This variant has not been reported in the literature in individuals affected with TFRC-related conditions. Algorithms developed to predict the effect of sequence changes on RNA splicing suggest that this variant may disrupt the consensus splice site. In summary, the available evidence is currently insufficient to determine the role of this variant in disease. Therefore, it has been classified as a Variant of Uncertain Significance.

NM_001128148.3(TFRC):c.2041-16T>C

Gene: TFRC (transferrin receptor; minus strand). Cytogenetic location: 3q29.
Variant type: single nucleotide variant.
Coding change: c.2041-16T>C on transcript NM_001128148.3 (MANE Select); 16 bases into the intron before coding-DNA position 2041, T replaced by C.
Molecular consequence: intron variant.
Genome position (GRCh38, 1-based): chr3:196,052,200, A>G on the plus strand (T>C on the coding strand, the complement: TFRC is on the minus strand). VCF-style: chr3-196052200-A-G. GRCh37 (hg19) VCF-style: chr3-195779071-A-G.
Other names: c.1195-16T>C (NM_001313966.2); c.1798-16T>C (NM_001313965.2); c.2041-16T>C (NM_003234.4).
Identifiers: ClinVar variation 2804369 (VCV002804369.3), dbSNP rs1426795526, ClinGen allele CA904814371.